The following is an entry in ClinVar:

ClinVar aggregate classification (germline): Uncertain significance (1 of 4 stars; one submission).

Submission:

Labcorp Genetics (formerly Invitae), Labcorp
Classification: Uncertain significance. Last evaluated: 2022-11-26. Review status: criteria provided, single submitter. Criteria: Invitae Variant Classification Sherloc (09022015). Collection method: clinical testing. Allele origin: germline.
Comment: This sequence change falls in intron 46 of the COL2A1 gene. It does not directly change the encoded amino acid sequence of the COL2A1 protein. It affects a nucleotide within the consensus splice site. This variant is not present in population databases (gnomAD no frequency). This variant has not been reported in the literature in individuals affected with COL2A1-related conditions. Variants that disrupt the consensus splice site are a relatively common cause of aberrant splicing (PMID: 17576681, 9536098). Algorithms developed to predict the effect of sequence changes on RNA splicing suggest that this variant is not likely to affect RNA splicing. In summary, the available evidence is currently insufficient to determine the role of this variant in disease. Therefore, it has been classified as a Variant of Uncertain Significance.

Literature cited by the submitters: PubMed 17576681; PubMed 9536098.

NM_001844.5(COL2A1):c.3274-3C>T

Gene: COL2A1 (collagen type II alpha 1 chain; minus strand). Cytogenetic location: 12q13.11.
Variant type: single nucleotide variant.
Coding change: c.3274-3C>T on transcript NM_001844.5 (MANE Select); 3 bases into the intron before coding-DNA position 3274, C replaced by T.
Molecular consequence: intron variant.
Genome position (GRCh38, 1-based): chr12:47,977,158, G>A on the plus strand (C>T on the coding strand, the complement: COL2A1 is on the minus strand). VCF-style: chr12-47977158-G-A. GRCh37 (hg19) VCF-style: chr12-48370941-G-A.
Other names: c.3067-3C>T (NM_033150.3).
Identifiers: ClinVar variation 2987742 (VCV002987742.3), dbSNP rs1259487066, ClinGen allele CA2575137817.